The following is an entry in ClinVar:

ClinVar aggregate classification (germline): Uncertain significance. Review status: criteria provided, multiple submitters, no conflicts (2 of 4 stars). 2 submissions from 2 submitters: Uncertain significance (2). Last evaluated 2026-01-22.

Submissions (2):

Labcorp Genetics (formerly Invitae), Labcorp
Classification: Uncertain significance. Last evaluated: 2026-01-22. Review status: criteria provided, single submitter. Criteria: Invitae Variant Classification Sherloc (09022015). Collection method: clinical testing. Allele origin: germline.
Comment: This sequence change replaces proline, which is neutral and non-polar, with leucine, which is neutral and non-polar, at codon 15 of the PAX4 protein (p.Pro15Leu). This variant is not present in population databases (gnomAD no frequency). This variant has not been reported in the literature in individuals affected with PAX4-related conditions. An algorithm developed to predict the effect of missense changes on protein structure and function (PolyPhen-2) suggests that this variant is likely to be disruptive. In summary, the available evidence is currently insufficient to determine the role of this variant in disease. Therefore, it has been classified as a Variant of Uncertain Significance.

Blueprint Genetics
Classification: Uncertain significance. Last evaluated: 2022-04-20. Review status: criteria provided, single submitter. Criteria: ACMG Guidelines, 2015. Collection method: clinical testing. Allele origin: germline.

NM_001366110.1(PAX4):c.68C>T (p.Pro23Leu)

Gene: PAX4 (paired box 4; minus strand). Cytogenetic location: 7q32.1.
Variant type: single nucleotide variant.
Coding change: c.68C>T on transcript NM_001366110.1 (MANE Select); coding-DNA position 68, C replaced by T.
Protein change: p.Pro23Leu; replaces proline 23 with leucine.
Molecular consequence: missense variant.
Genome position (GRCh38, 1-based): chr7:127,615,477, G>A on the plus strand (C>T on the coding strand, the complement: PAX4 is on the minus strand). VCF-style: chr7-127615477-G-A. GRCh37 (hg19) VCF-style: chr7-127255531-G-A.
Other names: c.68C>T, p.Pro23Leu (NM_001366111.1); short protein forms P23L.
Identifiers: ClinVar variation 4762311 (VCV004762311.2).